The following is an entry in ClinVar:

ClinVar aggregate classification (germline): Likely benign (1 of 4 stars; one submission).

Submission:

CeGaT Center for Human Genetics Tuebingen
Classification: Likely benign. Last evaluated: 2025-01-01. Review status: criteria provided, single submitter. Criteria: CeGaT Center For Human Genetics Tuebingen Variant Classification Criteria Version 2. Collection method: clinical testing. Allele origin: germline. Affected: yes. Observed: 1 variant allele.
Comment: SHFL: PM2:Supporting, BP4, BP7

NM_018381.4(SHFL):c.322C>A (p.Arg108=)

Gene: SHFL (shiftless antiviral inhibitor of ribosomal frameshifting; plus strand). Cytogenetic location: 19p13.2.
Variant type: single nucleotide variant.
Coding change: c.322C>A on transcript NM_018381.4 (MANE Select); coding-DNA position 322, C replaced by A.
Protein change: p.Arg108=; no amino-acid change (arginine 108 retained).
Molecular consequence: synonymous variant.
Genome position (GRCh38, 1-based): chr19:10,089,985, C>A. VCF-style: chr19-10089985-C-A. GRCh37 (hg19) VCF-style: chr19-10200661-C-A.
Other names: c.322C>A, p.Arg108= (NM_001308277.2).
Identifiers: ClinVar variation 3772183 (VCV003772183.13).